The following is an entry in ClinVar:

NM_003966.3(SEMA5A):c.1041G>A (p.Pro347=)

Gene: SEMA5A (semaphorin 5A; minus strand). Cytogenetic location: 5p15.31.
Variant type: single nucleotide variant.
Coding change: c.1041G>A on transcript NM_003966.3 (MANE Select); coding-DNA position 1041, G replaced by A.
Protein change: p.Pro347=; no amino-acid change (proline 347 retained).
Molecular consequence: synonymous variant.
Genome position (GRCh38, 1-based): chr5:9,197,195, C>T on the plus strand (G>A on the coding strand, the complement: SEMA5A is on the minus strand). VCF-style: chr5-9197195-C-T. GRCh37 (hg19) VCF-style: chr5-9197307-C-T.
Identifiers: ClinVar variation 3049715 (VCV003049715.2), dbSNP rs149976984, ClinGen allele CA3196922.

ClinVar aggregate classification (germline): Likely benign (0 of 4 stars; one submission).

Conditions:
SEMA5A-related disorder. Also called: SEMA5A-related condition.

Allele frequency attached by ClinVar (database versions not stated): ExAC 0.00012; ESP Exome Variant Server 0.00023; 1000 Genomes Project 30x 0.00031; 1000 Genomes Project 0.00040.
gnomAD v4.1: 419 of 1,614,204 alleles (0.026%); highest among the groups gnomAD compares: Non-Finnish European, 0.032%; no homozygotes.

Submission:

PreventionGenetics, part of Exact Sciences
Classification: Likely benign for SEMA5A-related condition. Last evaluated: 2019-07-16. Review status: no assertion criteria provided. Collection method: clinical testing. Allele origin: germline.
Comment: This variant is classified as likely benign based on ACMG/AMP sequence variant interpretation guidelines (Richards et al. 2015 PMID: 25741868, with internal and published modifications).